The following is an entry in ClinVar:

NM_001164508.2(NEB):c.17430dup (p.Asn5811Ter)

Gene: NEB (nebulin; minus strand). Cytogenetic location: 2q23.3.
Variant type: Duplication.
Coding change: c.17430dup on transcript NM_001164508.2 (MANE Select); coding-DNA position 17430, one base duplicated (T; older notation c.17430dupT).
Protein change: p.Asn5811Ter; replaces asparagine 5811 with a stop codon.
Molecular consequence: nonsense.
Genome position (GRCh38, 1-based): chr2:151,570,081, A duplicated on the plus strand (T on the coding strand, the reverse complement: NEB is on the minus strand). VCF-style (leftmost placement, unchanged base first): chr2-151570080-C-CA. GRCh37 (hg19) VCF-style: chr2-152426594-C-CA.
Other names: NM_001164508.2(NEB):c.17430dup; p.Asn5811Ter; c.17430dup, p.Asn5811Ter (NM_001164507.2, NM_001271208.2); c.12327dup, p.Asn4110Ter (NM_004543.5); short protein forms N5811*, N4110*.
Identifiers: ClinVar variation 1902848 (VCV001902848.6), dbSNP rs2552195778, ClinGen allele CA2580064067.

ClinVar aggregate classification (germline): Pathogenic/Likely pathogenic. Review status: criteria provided, multiple submitters, no conflicts (2 of 4 stars). 2 submissions from 2 submitters: Pathogenic (1); Likely pathogenic (1). Last evaluated 2025-03-10.

Conditions:
Nemaline myopathy 2 (NEM2). Also called: Nemaline myopathy 2, autosomal recessive. Identifiers: MedGen C1850569, MONDO:0009725, OMIM 256030.
Nemaline myopathy. Also called: Myopathies, Nemaline. Identifiers: Orphanet 607, MedGen C0206157, MONDO:0018958.

Allele frequency attached by ClinVar (database versions not stated): gnomAD exomes below 0.00001.

Submissions (2):

Broad Center for Mendelian Genomics, Broad Institute of MIT and Harvard
Classification: Likely pathogenic for Nemaline myopathy. Last evaluated: 2025-03-10. Review status: criteria provided, single submitter. Criteria: ACMG Guidelines, 2015. Collection method: curation. Allele origin: germline. Inheritance: Autosomal recessive inheritance.
Comment: The p.Asn5811Ter variant in NEB has not been previously reported in the literature in individuals with nemaline myopathy, but has been identified in 0.00009% (1/1174566) of European (non-Finnish) chromosomes by the Genome Aggregation Database (gnomAD). Although this variant has been seen in the general population in a heterozygous state, its frequency is low enough to be consistent with a recessive carrier frequency. This variant has also been reported in ClinVar (Variation ID: 1902848) and has been interpreted as pathogenic by Invitae. This variant is predicted to cause a frameshift, which alters the protein‚Äôs amino acid sequence beginning at position 5811 and leads to a premature termination codon within the same amino acid. This alteration is then predicted to lead to a truncated or absent protein. Loss of function of the NEB gene is an established disease mechanism in autosomal recessive nemaline myopathy. In summary, although additional studies are required to fully establish its clinical significance, this variant is likely pathogenic for autosomal recessive nemaline myopathy. ACMG/AMP Criteria applied: PVS1, PM2_supporting (Richards 2015).

Labcorp Genetics (formerly Invitae), Labcorp
Classification: Pathogenic for Nemaline myopathy 2. Last evaluated: 2022-05-30. Review status: criteria provided, single submitter. Criteria: Invitae Variant Classification Sherloc (09022015). Collection method: clinical testing. Allele origin: germline.
Comment: This sequence change creates a premature translational stop signal (p.Asn5811*) in the NEB gene. It is expected to result in an absent or disrupted protein product. Loss-of-function variants in NEB are known to be pathogenic (PMID: 25205138). This variant is not present in population databases (gnomAD no frequency). This variant has not been reported in the literature in individuals affected with NEB-related conditions. Algorithms developed to predict the effect of sequence changes on RNA splicing suggest that this variant may disrupt the consensus splice site. For these reasons, this variant has been classified as Pathogenic.

Literature cited by the submitters: PubMed 25205138 (cited by Labcorp Genetics (formerly Invitae), Labcorp).